The following is an entry in ClinVar:

NM_012414.4(RAB3GAP2):c.*2638C>T

Gene: RAB3GAP2 (RAB3 GTPase activating non-catalytic protein subunit 2; minus strand). Cytogenetic location: 1q41.
Variant type: single nucleotide variant.
Coding change: c.*2638C>T on transcript NM_012414.4 (MANE Select); 2638 bases downstream of the stop codon, C replaced by T.
Molecular consequence: 3 prime UTR variant.
Genome position (GRCh38, 1-based): chr1:220,148,613, G>A on the plus strand (C>T on the coding strand, the complement: RAB3GAP2 is on the minus strand). VCF-style: chr1-220148613-G-A. GRCh37 (hg19) VCF-style: chr1-220321955-G-A.
Identifiers: ClinVar variation 875864 (VCV000875864.4), dbSNP rs74139286, ClinGen allele CA37535594.

ClinVar aggregate classification (germline): Likely benign. Review status: criteria provided, single submitter (1 of 4 stars). 2 submissions from 1 submitter: Likely benign (2). Last evaluated 2018-01-12.

Conditions:
Warburg micro syndrome 2 (WARBM2). Also called: MICRO SYNDROME 2. Identifiers: Orphanet 2510, MedGen C3280214, MONDO:0013641, OMIM 614225.
Martsolf syndrome (MARTS). Also called: Congenital cataract with intellectual disability and hypogonadotropic hypogonadism syndrome. Identifiers: Orphanet 1387, MedGen C0796037, MONDO:0023910.

Allele frequency attached by ClinVar (database versions not stated): 1000 Genomes Project 0.00379; gnomAD 0.00431 and 0.00455; TOPMed 0.00486; 1000 Genomes Project 30x 0.00500.

Submissions (2):

Illumina Laboratory Services, Illumina
Classification: Likely benign for Martsolf syndrome 1. Last evaluated: 2018-01-12. Review status: criteria provided, single submitter. Criteria: ICSL Variant Classification Criteria 13 December 2019. Collection method: clinical testing. Allele origin: germline.
Comment: This variant was observed in the ICSL laboratory as part of a predisposition screen in an ostensibly healthy population. It had not been previously curated by ICSL or reported in the Human Gene Mutation Database (HGMD: prior to June 1st, 2018), and was therefore a candidate for classification through an automated scoring system. Utilizing variant allele frequency, disease prevalence and penetrance estimates, and inheritance mode, an automated score was calculated to assess if this variant is too frequent to cause the disease. Based on the score and internal cut-off values, a variant classified as likely benign is not then subjected to further curation. The score for this variant resulted in a classification of likely benign for this disease.

Illumina Laboratory Services, Illumina
Classification: Likely benign for Warburg micro syndrome 2. Last evaluated: 2018-01-12. Review status: criteria provided, single submitter. Criteria: ICSL Variant Classification Criteria 13 December 2019. Collection method: clinical testing. Allele origin: germline.
Comment: the same text as in the submission from Illumina Laboratory Services, Illumina above.